The following is an entry in ClinVar:

NM_000969.5(RPL5):c.625C>T (p.Arg209Cys)

Genes: DIPK1A (divergent protein kinase domain 1A; minus strand), RPL5 (ribosomal protein L5; plus strand). Cytogenetic location: 1p22.1.
Variant type: single nucleotide variant.
Coding change: c.625C>T on transcript NM_000969.5 (MANE Select); coding-DNA position 625, C replaced by T.
Protein change: p.Arg209Cys; replaces arginine 209 with cysteine.
Molecular consequence: missense variant. On other transcripts: non-coding transcript variant (1), intron variant (1).
Genome position (GRCh38, 1-based): chr1:92,837,553, C>T. VCF-style: chr1-92837553-C-T. GRCh37 (hg19) VCF-style: chr1-93303110-C-T.
Other names: c.475-4519G>A (NM_001252273.2); short protein forms R209C.
Identifiers: ClinVar variation 953671 (VCV000953671.12), dbSNP rs770095159, ClinGen allele CA952527.
Genomic context (GRCh38, chr1:92,837,553, plus strand): 5'-GAATTTAATGCAGAAGTACATCGGAAGCACATCATGGGCCAGAATGTTGCAGATTACATG[C>T]GCTACTTAATGGAAGAAGATGAAGATGCTTACAAGAAACAGTTCTCTCAATACATAAAGA-3'
Protein context (NP_000960.2, residues 199-219): IMGQNVADYM[Arg209Cys]YLMEEDEDAY

ClinVar aggregate classification (germline): Conflicting classifications of pathogenicity. Review status: criteria provided, conflicting classifications (1 of 4 stars). 3 submissions from 3 submitters: Uncertain significance (2); Likely benign (1). Last evaluated 2026-01-04.

Conditions:
Diamond-Blackfan anemia. Also called: Blackfan Diamond syndrome; Aregenerative anemia chronic congenital; Red cell aplasia, pure hereditary; Congenital hypoplastic anemia; Aase syndrome. Identifiers: Orphanet 124, MedGen C1260899, MeSH D029503, MONDO:0015253, HP:0004810.
Diamond-Blackfan anemia 6 (DBA6). Also called: RPL5-Related Diamond-Blackfan Anemia. Identifiers: Orphanet 124, MedGen C2931850, MONDO:0012937, OMIM 612561.

Allele frequency attached by ClinVar (database versions not stated): TOPMed 0.00002; gnomAD exomes 0.00002; gnomAD 0.00001; ExAC 0.00002.
gnomAD v4.1: 62 of 1,611,698 alleles (0.0038%); highest among the groups gnomAD compares: East Asian, 0.0067%; no homozygotes.

Submissions (3):

Labcorp Genetics (formerly Invitae), Labcorp
Classification: Uncertain significance for Diamond-Blackfan anemia. Last evaluated: 2026-01-04. Review status: criteria provided, single submitter. Criteria: Invitae Variant Classification Sherloc (09022015). Collection method: clinical testing. Allele origin: germline.
Comment: This sequence change replaces arginine, which is basic and polar, with cysteine, which is neutral and slightly polar, at codon 209 of the RPL5 protein (p.Arg209Cys). This variant is present in population databases (rs770095159, gnomAD 0.004%). This missense change has been observed in individual(s) with hereditary spherocytosis (PMID: 28694211). ClinVar contains an entry for this variant (Variation ID: 953671). Invitae Evidence Modeling of protein sequence and biophysical properties (such as structural, functional, and spatial information, amino acid conservation, physicochemical variation, residue mobility, and thermodynamic stability) indicates that this missense variant is not expected to disrupt RPL5 protein function with a negative predictive value of 80%. In summary, the available evidence is currently insufficient to determine the role of this variant in disease. Therefore, it has been classified as a Variant of Uncertain Significance.

Blueprint Genetics
Classification: Likely benign. Last evaluated: 2024-08-12. Review status: criteria provided, single submitter. Criteria: ACMG Guidelines, 2015. Collection method: clinical testing. Allele origin: germline.

Fulgent Genetics
Classification: Uncertain significance for Diamond-Blackfan anemia 6. Last evaluated: 2022-05-16. Review status: criteria provided, single submitter. Criteria: ACMG Guidelines, 2015. Collection method: clinical testing. Allele origin: unknown.

Literature cited by the submitters: PubMed 28694211 (cited by Labcorp Genetics (formerly Invitae), Labcorp).